The following is an entry in ClinVar:

NM_001365999.1(SZT2):c.9461C>G (p.Ser3154Cys)

Genes: SZT2 (SZT2 subunit of KICSTOR complex; plus strand), SZT2-AS1 (SZT2 antisense RNA 1; minus strand). Cytogenetic location: 1p34.2.
Variant type: single nucleotide variant.
Coding change: c.9461C>G on transcript NM_001365999.1 (MANE Select); coding-DNA position 9461, C replaced by G.
Protein change: p.Ser3154Cys; replaces serine 3154 with cysteine.
Molecular consequence: missense variant. On other transcripts: non-coding transcript variant (1).
Genome position (GRCh38, 1-based): chr1:43,447,869, C>G. VCF-style: chr1-43447869-C-G. GRCh37 (hg19) VCF-style: chr1-43913540-C-G.
Other names: c.9290C>G, p.Ser3097Cys (NM_015284.4); c.902C>G, p.Ser301Cys (NM_024547.1); short protein forms S3097C, S3154C, S301C.
Identifiers: ClinVar variation 2060899 (VCV002060899.4), dbSNP rs2545868697, ClinGen allele CA340043311.

ClinVar aggregate classification (germline): Uncertain significance (1 of 4 stars; one submission).

Submission:

Labcorp Genetics (formerly Invitae), Labcorp
Classification: Uncertain significance. Last evaluated: 2023-10-13. Review status: criteria provided, single submitter. Criteria: Invitae Variant Classification Sherloc (09022015). Collection method: clinical testing. Allele origin: germline.
Comment: This sequence change replaces serine, which is neutral and polar, with cysteine, which is neutral and slightly polar, at codon 3097 of the SZT2 protein (p.Ser3097Cys). This variant is not present in population databases (gnomAD no frequency). This variant has not been reported in the literature in individuals affected with SZT2-related conditions. ClinVar contains an entry for this variant (Variation ID: 2060899). Advanced modeling of protein sequence and biophysical properties (such as structural, functional, and spatial information, amino acid conservation, physicochemical variation, residue mobility, and thermodynamic stability) has been performed at Invitae for this missense variant, however the output from this modeling did not meet the statistical confidence thresholds required to predict the impact of this variant on SZT2 protein function. In summary, the available evidence is currently insufficient to determine the role of this variant in disease. Therefore, it has been classified as a Variant of Uncertain Significance.